The following is an entry in ClinVar:

NM_002470.4(MYH3):c.2813C>T (p.Thr938Met)

Gene: MYH3 (myosin heavy chain 3; minus strand). Cytogenetic location: 17p13.1.
Variant type: single nucleotide variant.
Coding change: c.2813C>T on transcript NM_002470.4 (MANE Select); coding-DNA position 2813, C replaced by T.
Protein change: p.Thr938Met; replaces threonine 938 with methionine.
Molecular consequence: missense variant.
Genome position (GRCh38, 1-based): chr17:10,639,672, G>A on the plus strand (C>T on the coding strand, the complement: MYH3 is on the minus strand). VCF-style: chr17-10639672-G-A. GRCh37 (hg19) VCF-style: chr17-10542989-G-A.
Other names: c.2813C>T (NM_002470.3); short protein forms T938M.
Identifiers: ClinVar variation 1474497 (VCV001474497.10), dbSNP rs148835368, ClinGen allele CA8392672.

ClinVar aggregate classification (germline): Uncertain significance. Review status: criteria provided, multiple submitters, no conflicts (2 of 4 stars). 3 submissions from 3 submitters: Uncertain significance (3). Last evaluated 2025-12-08.

Conditions:
Inborn genetic diseases. Identifiers: MedGen C0950123, MeSH D030342.

Allele frequency attached by ClinVar (database versions not stated): ExAC 0.00005; gnomAD 0.00005 and 0.00006; gnomAD exomes 0.00005; TOPMed 0.00005; ESP Exome Variant Server 0.00023.
gnomAD v4.1: 71 of 1,613,692 alleles (0.0044%); highest among the groups gnomAD compares: Admixed American, 0.0083%; no homozygotes.

Submissions (3):

Labcorp Genetics (formerly Invitae), Labcorp
Classification: Uncertain significance. Last evaluated: 2025-12-08. Review status: criteria provided, single submitter. Criteria: Invitae Variant Classification Sherloc (09022015). Collection method: clinical testing. Allele origin: germline.
Comment: This sequence change replaces threonine, which is neutral and polar, with methionine, which is neutral and non-polar, at codon 938 of the MYH3 protein (p.Thr938Met). This variant is present in population databases (rs148835368, gnomAD 0.01%). This variant has not been reported in the literature in individuals affected with MYH3-related conditions. ClinVar contains an entry for this variant (Variation ID: 1474497). Invitae Evidence Modeling of protein sequence and biophysical properties (such as structural, functional, and spatial information, amino acid conservation, physicochemical variation, residue mobility, and thermodynamic stability) indicates that this missense variant is not expected to disrupt MYH3 protein function with a negative predictive value of 95%. In summary, the available evidence is currently insufficient to determine the role of this variant in disease. Therefore, it has been classified as a Variant of Uncertain Significance.

Ambry Genetics
Classification: Uncertain significance for Inborn genetic diseases. Last evaluated: 2024-12-16. Review status: criteria provided, single submitter. Criteria: Ambry Variant Classification Scheme 2023. Collection method: clinical testing. Allele origin: germline.

Blueprint Genetics
Classification: Uncertain significance. Last evaluated: 2024-10-01. Review status: criteria provided, single submitter. Criteria: ACMG Guidelines, 2015. Collection method: clinical testing. Allele origin: germline.